The following is an entry in ClinVar:

ClinVar aggregate classification (germline): Uncertain significance (1 of 4 stars; one submission).

Conditions:
2-aminoadipic 2-oxoadipic aciduria (AAKAD). Also called: ALPHA-AMINOADIPIC AND ALPHA-KETOADIPIC ACIDURIA; Aminoadipic aciduria. Identifiers: Orphanet 79154, MedGen C1859817, MONDO:0008774, OMIM 204750.

Submission:

Labcorp Genetics (formerly Invitae), Labcorp
Classification: Uncertain significance for 2-aminoadipic 2-oxoadipic aciduria. Last evaluated: 2023-10-06. Review status: criteria provided, single submitter. Criteria: Invitae Variant Classification Sherloc (09022015). Collection method: clinical testing. Allele origin: germline.
Comment: This sequence change replaces arginine, which is basic and polar, with proline, which is neutral and non-polar, at codon 755 of the DHTKD1 protein (p.Arg755Pro). This variant is not present in population databases (gnomAD no frequency). This variant has not been reported in the literature in individuals affected with DHTKD1-related conditions. Advanced modeling of protein sequence and biophysical properties (such as structural, functional, and spatial information, amino acid conservation, physicochemical variation, residue mobility, and thermodynamic stability) has been performed at Invitae for this missense variant, however the output from this modeling did not meet the statistical confidence thresholds required to predict the impact of this variant on DHTKD1 protein function. In summary, the available evidence is currently insufficient to determine the role of this variant in disease. Therefore, it has been classified as a Variant of Uncertain Significance.

NM_018706.7(DHTKD1):c.2264G>C (p.Arg755Pro)

Gene: DHTKD1 (dehydrogenase E1 and transketolase domain containing 1; plus strand). Cytogenetic location: 10p14.
Variant type: single nucleotide variant.
Coding change: c.2264G>C on transcript NM_018706.7 (MANE Select); coding-DNA position 2264, G replaced by C.
Protein change: p.Arg755Pro; replaces arginine 755 with proline.
Molecular consequence: missense variant.
Genome position (GRCh38, 1-based): chr10:12,113,009, G>C. VCF-style: chr10-12113009-G-C. GRCh37 (hg19) VCF-style: chr10-12155008-G-C.
Other names: short protein forms R755P.
Identifiers: ClinVar variation 2753784 (VCV002753784.3), dbSNP rs780600921, ClinGen allele CA376013646.